The following is an entry in ClinVar:

ClinVar aggregate classification (germline): Uncertain significance. Review status: criteria provided, multiple submitters, no conflicts (2 of 4 stars). 2 submissions from 2 submitters: Uncertain significance (2). Last evaluated 2025-01-19.

Conditions:
Inborn genetic diseases. Identifiers: MedGen C0950123, MeSH D030342.

gnomAD v4.1: 1 of 1,614,154 alleles (0.000062%); highest among the groups gnomAD compares: Admixed American, 0.0017%; no homozygotes.

Submissions (2):

Ambry Genetics
Classification: Uncertain significance for Inborn genetic diseases. Last evaluated: 2025-01-19. Review status: criteria provided, single submitter. Criteria: Ambry Variant Classification Scheme 2023. Collection method: clinical testing. Allele origin: germline.

Labcorp Genetics (formerly Invitae), Labcorp
Classification: Uncertain significance. Last evaluated: 2024-05-07. Review status: criteria provided, single submitter. Criteria: Invitae Variant Classification Sherloc (09022015). Collection method: clinical testing. Allele origin: germline.
Comment: This sequence change replaces glycine, which is neutral and non-polar, with glutamic acid, which is acidic and polar, at codon 113 of the SYT2 protein (p.Gly113Glu). This variant is not present in population databases (gnomAD no frequency). This variant has not been reported in the literature in individuals affected with SYT2-related conditions. Advanced modeling of protein sequence and biophysical properties (such as structural, functional, and spatial information, amino acid conservation, physicochemical variation, residue mobility, and thermodynamic stability) performed at Invitae indicates that this missense variant is not expected to disrupt SYT2 protein function with a negative predictive value of 80%. In summary, the available evidence is currently insufficient to determine the role of this variant in disease. Therefore, it has been classified as a Variant of Uncertain Significance.

NM_177402.5(SYT2):c.338G>A (p.Gly113Glu)

Gene: SYT2 (synaptotagmin 2; minus strand). Cytogenetic location: 1q32.1.
Variant type: single nucleotide variant.
Coding change: c.338G>A on transcript NM_177402.5 (MANE Select); coding-DNA position 338, G replaced by A.
Protein change: p.Gly113Glu; replaces glycine 113 with glutamic acid.
Molecular consequence: missense variant.
Genome position (GRCh38, 1-based): chr1:202,604,462, C>T on the plus strand (G>A on the coding strand, the complement: SYT2 is on the minus strand). VCF-style: chr1-202604462-C-T. GRCh37 (hg19) VCF-style: chr1-202573590-C-T.
Other names: c.338G>A, p.Gly113Glu (NM_001136504.1); short protein forms G113E.
Identifiers: ClinVar variation 3617053 (VCV003617053.3).
Genomic context (GRCh38, chr1:202,604,462, plus strand): 5'-GGAAAGCCTGGGCTGAGCCCCTTCCAGTCCCCCTCACAACCAATGTGCCCTACCTGACCC[C>T]CTTTCATGTCCTTCATGTTCATGGCATTCTTCATGCCTTTGCCCTTCTCCTTCTTGTTCT-3'
Protein context (NP_796376.2, residues 103-123): KNAMNMKDMK[Gly113Glu]GQDDDDAETG